The following is an entry in ClinVar:

ClinVar aggregate classification (germline): Conflicting classifications of pathogenicity. Review status: criteria provided, conflicting classifications (1 of 4 stars). 5 submissions from 5 submitters: Uncertain significance (2); Benign (1); Likely benign (2). Last evaluated 2025-11-12.

Conditions:
Tuberous sclerosis 2 (TSC2). Identifiers: Orphanet 805, MedGen C1860707, MONDO:0013199, OMIM 613254.
Isolated focal cortical dysplasia type II (FCORD2). Also called: CORTICAL DYSPLASIA OF TAYLOR; Focal cortical dysplasia type II. Identifiers: Orphanet 268994, MedGen C1846385, MONDO:0011818, OMIM 607341, HP:0032051.
Lymphangiomyomatosis (LAM). Also called: Lymphangioleiomyomatosis; Lymphangioleiomyomatosis, somatic. Identifiers: Orphanet 538, MedGen C0751674, MONDO:0011705, OMIM 606690.

Allele frequency attached by ClinVar (database versions not stated): TOPMed 0.00002; ExAC 0.00003; gnomAD 0.00003; gnomAD exomes 0.00003.

Submissions (5):

Labcorp Genetics (formerly Invitae), Labcorp
Classification: Benign for Tuberous sclerosis 2. Last evaluated: 2025-11-12. Review status: criteria provided, single submitter. Criteria: Invitae Variant Classification Sherloc (09022015). Collection method: clinical testing. Allele origin: germline.

Myriad Genetics, Inc.
Classification: Likely benign for Tuberous sclerosis 2. Last evaluated: 2025-06-05. Review status: criteria provided, single submitter. Criteria: Myriad Autosomal Dominant, Autosomal Recessive and X-Linked Classification Criteria (2023). Collection method: clinical testing. Allele origin: unknown.
Comment: This variant is considered likely benign. This variant is intronic and is not expected to impact mRNA splicing.

Blueprint Genetics
Classification: Likely benign. Last evaluated: 2024-03-21. Review status: criteria provided, single submitter. Criteria: ACMG Guidelines, 2015. Collection method: clinical testing. Allele origin: germline.

Eurofins Ntd Llc (ga)
Classification: Uncertain significance. Last evaluated: 2017-06-20. Review status: criteria provided, single submitter. Criteria: EGL Classification Definitions 2015. Collection method: clinical testing. Allele origin: germline. Observed: 1 variant allele, 1 heterozygote.

Center for Genomics, Ann and Robert H. Lurie Children's Hospital of Chicago
Classification: Uncertain significance for Lymphangiomyomatosis; Isolated focal cortical dysplasia type II; Tuberous sclerosis 2. Review status: criteria provided, single submitter. Criteria: ACMG Guidelines, 2015. Collection method: clinical testing. Allele origin: germline.
Comment: TSC2 c.5068+8C>T: This variant has not been reported in the literature, but is present in 7/245274 individuals of various ethnicity in the Genome Aggregation Database. This variant is present in ClinVar (Variation ID: 413725). Evolutionary conservation and computational predictive tools for this variant are limited or unavailable. This variant is an intronic variant with no predicted change in the amino acid sequence but may have an unknown effect on splicing. Further studies are needed to understand its impact. In summary, data on this variant is insufficient for disease classification. Therefore, the clinical significance of this variant is uncertain

NM_000548.5(TSC2):c.5068+8C>T

Gene: TSC2 (TSC complex subunit 2; plus strand). Cytogenetic location: 16p13.3.
Variant type: single nucleotide variant.
Coding change: c.5068+8C>T on transcript NM_000548.5 (MANE Select); 8 bases into the intron after coding-DNA position 5068, C replaced by T.
Molecular consequence: intron variant.
Genome position (GRCh38, 1-based): chr16:2,087,949, C>T. VCF-style: chr16-2087949-C-T. GRCh37 (hg19) VCF-style: chr16-2137950-C-T.
Other names: c.4999+8C>T (NM_001114382.3); c.4939+8C>T (NM_021055.3, NM_001370405.1); c.4870+8C>T (NM_001363528.2); c.4936+8C>T (NM_001370404.1); c.4867+8C>T (NM_001077183.3); c.4759+8C>T (NM_001318827.2); c.4336+8C>T (NM_001318831.2); c.4723+8C>T (NM_001318829.2); and 1 more.
Identifiers: ClinVar variation 413725 (VCV000413725.24), dbSNP rs747827911, ClinGen allele CA053737.
Genomic context (GRCh38, chr16:2,087,949, plus strand): 5'-CGTCACCCCGCTGGACTACGAGTGCAACCTGGTGTCCCTGCAGTGCAGGAAAGGTAGGGC[C>T]GGGTGGGGCCCTGCAGTGCAGGAAAGGTAGGGCCGGGTGGGGCCCTGCAGTGTGGCGCCA-3'